The following is an entry in ClinVar:

NM_007194.4(CHEK2):c.246C>A (p.Asp82Glu)

Gene: CHEK2 (checkpoint kinase 2; minus strand). Cytogenetic location: 22q12.1.
Variant type: single nucleotide variant.
Coding change: c.246C>A on transcript NM_007194.4 (MANE Select); coding-DNA position 246, C replaced by A.
Protein change: p.Asp82Glu; replaces aspartic acid 82 with glutamic acid.
Molecular consequence: missense variant.
Genome position (GRCh38, 1-based): chr22:28,734,476, G>T on the plus strand (C>A on the coding strand, the complement: CHEK2 is on the minus strand). VCF-style: chr22-28734476-G-T. GRCh37 (hg19) VCF-style: chr22-29130464-G-T.
Other names: c.246C>A, p.Asp82Glu (NM_001005735.3, NM_001349956.3, NM_145862.3); c.-532C>A (NM_001257387.3); short protein forms D82E.
Identifiers: ClinVar variation 2838184 (VCV002838184.3), dbSNP rs2146146145, ClinGen allele CA411090593.

ClinVar aggregate classification (germline): Uncertain significance (1 of 4 stars; one submission).

Conditions:
Familial cancer of breast. Also called: hereditary breast carcinoma; BREAST CANCER, FAMILIAL; Hereditary breast cancer. Identifiers: Orphanet 227535, MedGen C0346153, MONDO:0016419, OMIM 114480. Disease mechanism: loss of function.

Submission:

Labcorp Genetics (formerly Invitae), Labcorp
Classification: Uncertain significance for Familial cancer of breast. Last evaluated: 2023-03-02. Review status: criteria provided, single submitter. Criteria: Invitae Variant Classification Sherloc (09022015). Collection method: clinical testing. Allele origin: germline.
Comment: In summary, the available evidence is currently insufficient to determine the role of this variant in disease. Therefore, it has been classified as a Variant of Uncertain Significance. An algorithm developed to predict the effect of missense changes on protein structure and function (PolyPhen-2) suggests that this variant is likely to be disruptive. This variant has not been reported in the literature in individuals affected with CHEK2-related conditions. This variant is not present in population databases (gnomAD no frequency). This sequence change replaces aspartic acid, which is acidic and polar, with glutamic acid, which is acidic and polar, at codon 82 of the CHEK2 protein (p.Asp82Glu).